The following is an entry in ClinVar:

NM_001374504.1(TMPRSS6):c.1842-31CCCCA[2]

Gene: TMPRSS6 (transmembrane serine protease 6; minus strand). Cytogenetic location: 22q12.3.
Variant type: Microsatellite.
Coding change: c.1842-31CCCCA[2] on transcript NM_001374504.1 (MANE Select); two copies in a row of the 5-base unit CCCCA starting at c.1842-31; the reference has six copies in a row; four copies, 20 bases deleted.
Molecular consequence: splice acceptor variant.
Genome position (GRCh38, 1-based): chr22:37,069,346-37,069,365, TGGGGTGGGGTGGGGTGGGG deleted on the plus strand (CCCCACCCCACCCCACCCCA on the coding strand, the reverse complement: TMPRSS6 is on the minus strand); deleting any 20 consecutive bases within chr22:37,069,346-37,069,377 gives the same sequence; the position shown is the placement nearest the transcript's 3' end. VCF-style (leftmost placement, unchanged base first): chr22-37069345-CTGGGGTGGGGTGGGGTGGGG-C. GRCh37 (hg19) VCF-style: chr22-37465385-CTGGGGTGGGGTGGGGTGGGG-C.
Other names: c.1842-31CCCCA[2] (NM_001289000.2, NM_001289001.2, NM_153609.4).
Identifiers: ClinVar variation 1301819 (VCV001301819.3), dbSNP rs60484081, ClinGen allele CA10215441.
Genomic context (GRCh38, chr22:37,069,345, plus strand): 5'-CAGCGCGAGTTCTGCCACACCTTGCCCAGGAACACGGTCCACAGCACCGTGGAGGCCATG[CTGGGGTGGGGTGGGGTGGGG>C]TGGGGTGGGGTGAGGTGAGGTGGGAGGAAGCTGCCTCTCCCCATCCAGGGACCCTCAAGA-3'

ClinVar aggregate classification (germline): Uncertain significance. Review status: criteria provided, single submitter (1 of 4 stars). 2 submissions from 1 submitter: Uncertain significance (1). 1 of the submissions does not count toward it. Last evaluated 2022-12-17.

Conditions:
Iron-refractory iron deficiency anemia (IRIDA). Also called: ANEMIA, HYPOCHROMIC MICROCYTIC, WITH DEFECT IN IRON METABOLISM; IRON-HANDLING DISORDER, HEREDITARY; IRIDA syndrome; PSEUDO-IRON-DEFICIENCY ANEMIA. Identifiers: Orphanet 209981, MedGen C0085576, MONDO:0008788, OMIM 206200. Disease mechanism: loss of function.

Submissions (2):

Dubai Health Genomic Medicine Center, Dubai Health
Classification: Uncertain significance. Last evaluated: 2022-12-17. Review status: criteria provided, single submitter. Criteria: ACMG Guidelines, 2015. Collection method: clinical testing. Allele origin: germline. Affected: yes.

Dubai Health Genomic Medicine Center, Dubai Health
Classification: Uncertain significance for Iron-refractory iron deficiency anemia. Last evaluated: 2020-06-18. Review status: flagged submission. Criteria: ACMG Guidelines, 2015. Collection method: clinical testing. Allele origin: germline. Affected: yes. Not counted in ClinVar's aggregate classification.
Comment: The c.1869-21_1869-2del variant in TMPRSS6 has not been previously reported in affected individuals but was identified in 3/12370 (0.024% 0 homozygotes) South Asian alleles by the Genome Aggregation Database. This variant affects the splice-acceptor sequence including the invariant '-2' site potentially resulting in exon 16 skipping and the production of abnormal protein. However splice prediction tools suggest that splicing will be reconstituted in this region due to a nearby highly similar intronic sequence. In summary more information including case level and functional data is needed to determine the clinical significance of this variant.
ClinVar note: Reason: This record appears to be redundant with a more recent record from the same submitter.
ClinVar note: Notes: SCV001984669 appears to be redundant with SCV002775019.